The following is an entry in ClinVar:

ClinVar aggregate classification (germline): Uncertain significance (1 of 4 stars; one submission).

gnomAD v4.1: 17 of 1,613,814 alleles (0.0011%); highest among the groups gnomAD compares: Non-Finnish European, 0.0013%; no homozygotes.

Submission:

Labcorp Genetics (formerly Invitae), Labcorp
Classification: Uncertain significance. Last evaluated: 2023-05-12. Review status: criteria provided, single submitter. Criteria: Invitae Variant Classification Sherloc (09022015). Collection method: clinical testing. Allele origin: germline.
Comment: Variants that disrupt the consensus splice site are a relatively common cause of aberrant splicing (PMID: 17576681, 9536098). Algorithms developed to predict the effect of sequence changes on RNA splicing suggest that this variant may create or strengthen a splice site. In summary, the available evidence is currently insufficient to determine the role of this variant in disease. Therefore, it has been classified as a Variant of Uncertain Significance. An algorithm developed to predict the effect of missense changes on protein structure and function (PolyPhen-2) suggests that this variant is likely to be disruptive. This variant has not been reported in the literature in individuals affected with TAX1BP3-related conditions. This variant is present in population databases (rs375177174, gnomAD 0.002%). This sequence change replaces lysine, which is basic and polar, with asparagine, which is neutral and polar, at codon 53 of the TAX1BP3 protein (p.Lys53Asn). This variant also falls at the last nucleotide of exon 2, which is part of the consensus splice site for this exon.

Literature cited by the submitters: PubMed 17576681; PubMed 9536098.

NM_014604.4(TAX1BP3):c.159G>T (p.Lys53Asn)

Genes: P2RX5-TAX1BP3 (P2RX5-TAX1BP3 readthrough (NMD candidate); minus strand), TAX1BP3 (Tax1 binding protein 3; minus strand). Cytogenetic location: 17p13.2.
Variant type: single nucleotide variant.
Coding change: c.159G>T on transcript NM_014604.4 (MANE Select); coding-DNA position 159, G replaced by T.
Protein change: p.Lys53Asn; replaces lysine 53 with asparagine.
Molecular consequence: missense variant. On other transcripts: non-coding transcript variant (1).
Genome position (GRCh38, 1-based): chr17:3,664,679, C>A on the plus strand (G>T on the coding strand, the complement: TAX1BP3 is on the minus strand). VCF-style: chr17-3664679-C-A. GRCh37 (hg19) VCF-style: chr17-3567973-C-A.
Other names: c.159G>T, p.Lys53Asn (NM_001204698.2); short protein forms K53N.
Identifiers: ClinVar variation 2721453 (VCV002721453.3), dbSNP rs375177174, ClinGen allele CA8292226.
Genomic context (GRCh38, chr17:3,664,679, plus strand): 5'-ACCCACCATCTCAGGCCCCTGTGCCCCATGGAGCGGTCCCAGGACCCCAGACCCCCTCAC[C>A]TTGTCCGTCTTGTCTTCAGAGAAGGGATTCTGGGAAGGATCCTGGTCGATTCCACCTCCA-3'
Protein context (NP_055419.1, residues 43-63): QNPFSEDKTD[Lys53Asn]GIYVTRVSEG